The following is an entry in ClinVar:

ClinVar aggregate classification (germline): Uncertain significance (1 of 4 stars; one submission).

Allele frequency attached by ClinVar (database versions not stated): gnomAD exomes below 0.00001 and 0.00001; ExAC 0.00001.
gnomAD v4.1: 7 of 1,613,708 alleles (0.00043%); highest among the groups gnomAD compares: Non-Finnish European, 0.00059%; no homozygotes.

Submission:

GeneDx
Classification: Uncertain significance. Last evaluated: 2022-05-13. Review status: criteria provided, single submitter. Criteria: GeneDx Variant Classification Process June 2021. Collection method: clinical testing. Allele origin: germline. Affected: yes.
Comment: Not observed at significant frequency in large population cohorts (gnomAD); In silico analysis supports that this missense variant has a deleterious effect on protein structure/function; Has not been previously published as pathogenic or benign to our knowledge

NM_001130682.3(GUCY1A1):c.1540G>A (p.Asp514Asn)

Gene: GUCY1A1 (guanylate cyclase 1 soluble subunit alpha 1; plus strand). Cytogenetic location: 4q32.1.
Variant type: single nucleotide variant.
Coding change: c.1540G>A on transcript NM_001130682.3 (MANE Select); coding-DNA position 1540, G replaced by A.
Protein change: p.Asp514Asn; replaces aspartic acid 514 with asparagine.
Molecular consequence: missense variant.
Genome position (GRCh38, 1-based): chr4:155,713,551, G>A. VCF-style: chr4-155713551-G-A. GRCh37 (hg19) VCF-style: chr4-156634703-G-A.
Other names: c.1540G>A, p.Asp514Asn (NM_000856.6, NM_001130683.4, NM_001130684.3 and 12 more transcripts); c.835G>A, p.Asp279Asn (NM_001130685.3); c.1033G>A, p.Asp345Asn (NM_001379676.1); short protein forms D514N, D279N, D345N.
Identifiers: ClinVar variation 1699541 (VCV001699541.2), dbSNP rs144801036, ClinGen allele CA3117396.